The following is an entry in ClinVar:

ClinVar aggregate classification (germline): Uncertain significance (1 of 4 stars; one submission).

Conditions:
Paroxysmal nonkinesigenic dyskinesia. Also called: Paroxysmal non-kinesigenic dyskinesia. Identifiers: Orphanet 98810, MedGen C1869117, MONDO:0700088.

Allele frequency attached by ClinVar (database versions not stated): ExAC 0.00001; gnomAD exomes 0.00001.
gnomAD v4.1: 2 of 1,611,506 alleles (0.00012%); highest among the groups gnomAD compares: South Asian, 0.0022%; no homozygotes.

Submission:

Labcorp Genetics (formerly Invitae), Labcorp
Classification: Uncertain significance for Paroxysmal nonkinesigenic dyskinesia. Last evaluated: 2021-12-28. Review status: criteria provided, single submitter. Criteria: Invitae Variant Classification Sherloc (09022015). Collection method: clinical testing. Allele origin: germline.
Comment: In summary, the available evidence is currently insufficient to determine the role of this variant in disease. Therefore, it has been classified as a Variant of Uncertain Significance. Algorithms developed to predict the effect of sequence changes on RNA splicing suggest that this variant may disrupt the consensus splice site. This variant has not been reported in the literature in individuals affected with PNKD-related conditions. This variant is present in population databases (rs773884627, gnomAD 0.007%). This sequence change falls in intron 7 of the PNKD gene. It does not directly change the encoded amino acid sequence of the PNKD protein.

NM_015488.5(PNKD):c.782-7C>G

Genes: PNKD (PNKD metallo-beta-lactamase domain containing; plus strand), CATIP-AS2 (CATIP antisense RNA 2; minus strand). Cytogenetic location: 2q35.
Variant type: single nucleotide variant.
Coding change: c.782-7C>G on transcript NM_015488.5 (MANE Select); 7 bases into the intron before coding-DNA position 782, C replaced by G.
Molecular consequence: intron variant.
Genome position (GRCh38, 1-based): chr2:218,343,493, C>G. VCF-style: chr2-218343493-C-G. GRCh37 (hg19) VCF-style: chr2-219208216-C-G.
Other names: c.710-7C>G (NM_022572.4).
Identifiers: ClinVar variation 1352212 (VCV001352212.6), dbSNP rs773884627, ClinGen allele CA2104107.